The following is an entry in ClinVar:

ClinVar aggregate classification (germline): Likely pathogenic (1 of 4 stars; one submission).

Conditions:
Dyskeratosis congenita. Identifiers: Orphanet 1775, MedGen C0265965, MONDO:0015780.

Allele frequency attached by ClinVar (database versions not stated): gnomAD exomes 0.00002 and 0.00003; TOPMed 0.00002; ExAC 0.00003.
gnomAD v4.1: 28 of 1,613,932 alleles (0.0017%); highest among the groups gnomAD compares: South Asian, 0.022%; no homozygotes.

Submission:

Labcorp Genetics (formerly Invitae), Labcorp
Classification: Likely pathogenic for Dyskeratosis congenita. Last evaluated: 2026-01-26. Review status: criteria provided, single submitter. Criteria: Invitae Variant Classification Sherloc (09022015). Collection method: clinical testing. Allele origin: germline.
Comment: This sequence change replaces arginine, which is basic and polar, with glutamine, which is neutral and polar, at codon 987 of the CTC1 protein (p.Arg987Gln). This variant is present in population databases (rs769617113, gnomAD 0.02%). This variant has not been reported in the literature in individuals affected with CTC1-related conditions. ClinVar contains an entry for this variant (Variation ID: 840435). Invitae Evidence Modeling of protein sequence and biophysical properties (such as structural, functional, and spatial information, amino acid conservation, physicochemical variation, residue mobility, and thermodynamic stability) indicates that this missense variant is not expected to disrupt CTC1 protein function with a negative predictive value of 80%. Algorithms developed to predict the effect of sequence changes on RNA splicing suggest that this variant may disrupt the consensus splice site. This variant disrupts the p.Arg987 amino acid residue in CTC1. Other variant(s) that disrupt this residue have been determined to be pathogenic (PMID: 22267198, 22899577, 23869908, 24115768). This suggests that this residue is clinically significant, and that variants that disrupt this residue are likely to be disease-causing. In summary, the currently available evidence indicates that the variant is pathogenic, but additional data are needed to prove that conclusively. Therefore, this variant has been classified as Likely Pathogenic.

Literature cited by the submitters: PubMed 22267198; PubMed 22899577; PubMed 23869908; PubMed 24115768.

NM_025099.6(CTC1):c.2960G>A (p.Arg987Gln)

Gene: CTC1 (CST telomere replication complex component 1; minus strand). Cytogenetic location: 17p13.1.
Variant type: single nucleotide variant.
Coding change: c.2960G>A on transcript NM_025099.6 (MANE Select); coding-DNA position 2960, G replaced by A.
Protein change: p.Arg987Gln; replaces arginine 987 with glutamine.
Molecular consequence: missense variant. On other transcripts: non-coding transcript variant (1).
Genome position (GRCh38, 1-based): chr17:8,229,942, C>T on the plus strand (G>A on the coding strand, the complement: CTC1 is on the minus strand). VCF-style: chr17-8229942-C-T. GRCh37 (hg19) VCF-style: chr17-8133260-C-T.
Other names: short protein forms R987Q.
Identifiers: ClinVar variation 840435 (VCV000840435.7), dbSNP rs769617113, ClinGen allele CA8371929.